The following is an entry in ClinVar:

NM_016123.4(IRAK4):c.162-334G>A

Gene: IRAK4 (interleukin 1 receptor associated kinase 4; plus strand). Cytogenetic location: 12q12.
Variant type: single nucleotide variant.
Coding change: c.162-334G>A on transcript NM_016123.4 (MANE Select); 334 bases into the intron before coding-DNA position 162, G replaced by A.
Molecular consequence: intron variant.
Genome position (GRCh38, 1-based): chr12:43,770,886, G>A. VCF-style: chr12-43770886-G-A. GRCh37 (hg19) VCF-style: chr12-44164689-G-A.
Other names: c.-65-1294G>A (NM_001351338.2, NM_001145256.2, NM_001145257.2 and 1 more transcripts); c.162-334G>A (NM_001351345.2, NM_001114182.3); c.-278-152G>A (NM_001351341.2, NM_001351339.2, NM_001351340.2 and 1 more transcripts); c.-216-1294G>A (NM_001351343.2, NM_001351344.2).
Identifiers: ClinVar variation 2628208 (VCV002628208.2), dbSNP rs1461567, ClinGen allele CA15744221.

ClinVar aggregate classification (germline): Benign (1 of 4 stars; one submission).

Allele frequency attached by ClinVar (database versions not stated): TOPMed 0.20985; gnomAD 0.22550; 1000 Genomes Project 30x 0.24797; 1000 Genomes Project 0.25859.
gnomAD v4.1: 34,307 of 152,058 alleles (23%); highest among the groups gnomAD compares: East Asian, 47%; 4,916 homozygotes.

Submission:

Unidad de Genómica Garrahan, Hospital de Pediatría Garrahan
Classification: Benign. Last evaluated: 2023-11-12. Review status: criteria provided, single submitter. Criteria: ACMG Guidelines, 2015. Collection method: clinical testing. Allele origin: germline. Affected: no. Observed: 38 variant alleles.
Comment: This variant is classified as Benign based on local population frequency. This variant was detected in 40% of patients studied by a panel of primary immunodeficiencies. Number of patients: 38. Only high quality variants are reported.